The following is an entry in ClinVar:

NM_000517.6(HBA2):c.17_18delinsGCCT (p.Ala6fs)

Genes: HBA2 (hemoglobin subunit alpha 2; plus strand), LOC106804612 (hemoglobin subunit alpha 2 recombination region; plus strand). Cytogenetic location: 16p13.3.
Variant type: Indel.
Coding change: c.17_18delinsGCCT on transcript NM_000517.6 (MANE Select); coding-DNA positions 17 to 18, CC replaced by GCCT.
Protein change: p.Ala6fs; shifts the reading frame from alanine 6.
Molecular consequence: frameshift variant.
Genome position (GRCh38, 1-based): chr16:172,929-172,930, CC replaced by GCCT. VCF-style: chr16-172929-CC-GCCT. GRCh37 (hg19) VCF-style: chr16-222928-CC-GCCT.
Other names: short protein forms A6fs.
Identifiers: ClinVar variation 4818634 (VCV004818634.1).
Genomic context (GRCh38, chr16:172,929, plus strand): 5'-GGCCGGCACTCTTCTGGTCCCCACAGACTCAGAGAGAACCCACCATGGTGCTGTCTCCTG[CC>GCCT]GACAAGACCAACGTCAAGGCCGCCTGGGGTAAGGTCGGCGCGCACGCTGGCGAGTATGGT-3'

ClinVar aggregate classification (germline): Likely pathogenic (1 of 4 stars; one submission).

Conditions:
alpha Thalassemia. Also called: Alpha thalassemia spectrum. Identifiers: Orphanet 846, MedGen C0002312, MONDO:0011399, OMIM 604131.

Submission:

Natera, Inc.
Classification: Likely pathogenic for Alpha thalassemia. Last evaluated: 2024-11-08. Review status: criteria provided, single submitter. Criteria: Natera Variant Classification Schema (03/2026). Collection method: clinical testing. Allele origin: germline.
Comment: The c.17_18delinsGCCT variant in HBA2 is a frameshift variant predicted to shift the reading frame beginning at codon 6 and leads to a stop codon 45 codons downstream. This variant is expected to result in nonsense mediated decay, truncation, or a dysfunctional protein product. This variant is rare in the general population with a frequency below the threshold expected for the associated phenotype(s). Given the available evidence, this variant is classified as Likely Pathogenic.